The following is an entry in ClinVar:

NM_005251.3(FOXC2):c.562C>G (p.Pro188Ala)

Gene: FOXC2 (forkhead box C2; plus strand). Cytogenetic location: 16q24.1.
Variant type: single nucleotide variant.
Coding change: c.562C>G on transcript NM_005251.3 (MANE Select); coding-DNA position 562, C replaced by G.
Protein change: p.Pro188Ala; replaces proline 188 with alanine.
Molecular consequence: missense variant.
Genome position (GRCh38, 1-based): chr16:86,567,897, C>G. VCF-style: chr16-86567897-C-G. GRCh37 (hg19) VCF-style: chr16-86601503-C-G.
Other names: short protein forms P188A.
Identifiers: ClinVar variation 4809369 (VCV004809369.1).

ClinVar aggregate classification (germline): Uncertain significance (1 of 4 stars; one submission).

Submission:

Labcorp Genetics (formerly Invitae), Labcorp
Classification: Uncertain significance. Last evaluated: 2025-07-06. Review status: criteria provided, single submitter. Criteria: Invitae Variant Classification Sherloc (09022015). Collection method: clinical testing. Allele origin: germline.
Comment: This sequence change replaces proline, which is neutral and non-polar, with alanine, which is neutral and non-polar, at codon 188 of the FOXC2 protein (p.Pro188Ala). This variant is present in population databases (rs764181783, gnomAD 0.03%). This variant has not been reported in the literature in individuals affected with FOXC2-related conditions. An algorithm developed to predict the effect of missense changes on protein structure and function (PolyPhen-2) suggests that this variant is likely to be tolerated. In summary, the available evidence is currently insufficient to determine the role of this variant in disease. Therefore, it has been classified as a Variant of Uncertain Significance.